The following is an entry in ClinVar:

ClinVar aggregate classification (germline): Conflicting classifications of pathogenicity. Review status: criteria provided, conflicting classifications (1 of 4 stars). 5 submissions from 5 submitters: Pathogenic (1); Likely pathogenic (2); Uncertain significance (1). 1 of the submissions does not count toward it. Last evaluated 2024-04-09.

Conditions:
METHYLMALONIC ACIDURIA AND HOMOCYSTINURIA, cblC TYPE, DIGENIC. Identifiers: MedGen C4693974, OMIM 277400.
Cobalamin C disease. Also called: methylmalonic aciduria and homocystinuria type cblC; Methylmalonic aciduria with homocystinuria cblC type; Methylmalonic aciduria and homocystinuria, Vitamin B12-responsive; Vitamin B12 metabolic defect with combined deficiency of methylmalonyl-CoA mutase and homocysteine:methyltetrahydrofolate methyltransferase; Cobalamin-C methylmalonic acidemia and homocystinuria; Methylmalonic acidemia and homocystinuria cblC type. Identifiers: Orphanet 26, Orphanet 79282, MedGen C1848561, MONDO:0010184, OMIM 277400.

Allele frequency attached by ClinVar (database versions not stated): ExAC 0.00001; gnomAD exomes below 0.00001.
gnomAD v4.1: 2 of 1,614,184 alleles (0.00012%); highest among the groups gnomAD compares: Non-Finnish European, 0.00017%; no homozygotes.

Submissions (5):

Fulgent Genetics
Classification: Likely pathogenic for Cobalamin C disease. Last evaluated: 2024-04-09. Review status: criteria provided, single submitter. Criteria: ACMG Guidelines, 2015. Collection method: clinical testing. Allele origin: germline.

Centre de Génétique Humaine, Institut de Pathologie Et de Génétique
Classification: Pathogenic for Cobalamin C disease. Last evaluated: 2023-12-20. Review status: criteria provided, single submitter. Criteria: ACMG Guidelines, 2015. Collection method: clinical testing, in vitro. Allele origin: germline, not applicable. Inheritance: Autosomal recessive inheritance. Affected: yes. Observed: 3 compound heterozygotes. Clinical features observed: Methylmalonic aciduria (HP:0012120). Functional consequence: Decreased function.
Comment: Patients (n=3) are compound heterozygotes for this allele and the severe and common NM_015506.3:c.271dupA p.(Arg91Lysfs*14). Biochemical evaluation highlighted : elevated plasma MMA, elevated urine MMA, elevated total plasma homocysteine and low/normal methionine. Skin fibroblasts from patient 1 & 3 showed decreased propionate and methylTHF incorporation that was partially rescued by hydroxycobalamin addition to the culture medium (Rosenblatt's lab).

Women's Health and Genetics/Laboratory Corporation of America, LabCorp
Classification: Uncertain significance. Last evaluated: 2023-07-11. Review status: criteria provided, single submitter. Criteria: LabCorp Variant Classification Summary - May 2015. Collection method: clinical testing. Allele origin: germline.
Comment: Variant summary: MMACHC c.158T>C (p.Leu53Pro) results in a non-conservative amino acid change in the encoded protein sequence. Five of five in-silico tools predict a damaging effect of the variant on protein function. The variant allele was found at a frequency of 4e-06 in 249504 control chromosomes (gnomAD). c.158T>C has been reported in the literature as a compound heterozygous genotype together with a pathogenic variant in an asymptomatic individual with Cobalamin C Disease (Methylmalonic Aciduria With Homocystinuria) who also had an affected sibling who was not genetically tested (Gizicki_2014). It has also been reported in a case of compound epigenetic-genetic heterozygosity, where the affected individual was heterozygous for c.158T>C in MMACHC and also harbored a variant in the PRDX1 gene on the opposite chromosome (i.e. in trans) which resulted in the epigenetic silencing of the second MMACHC allele (Gueant_2018). These data indicate that the variant may be associated with disease. To our knowledge, no experimental evidence demonstrating an impact on protein function has been reported. The following publications have been ascertained in the context of this evaluation (PMID: 24126030, 29302025). No clinical diagnostic laboratories have provided clinical-significance assessments for this variant to ClinVar after 2014. Based on the evidence outlined above, the variant was classified as VUS-possibly pathogenic until further clinical and/or functional evidence becomes available.

Baylor Genetics
Classification: Likely pathogenic for Cobalamin C disease. Last evaluated: 2022-04-19. Review status: criteria provided, single submitter. Criteria: ACMG Guidelines, 2015. Collection method: clinical testing. Allele origin: unknown.

OMIM
Classification: Pathogenic for METHYLMALONIC ACIDURIA AND HOMOCYSTINURIA, cblC TYPE, DIGENIC. Last evaluated: 2021-11-19. Review status: no assertion criteria provided. Collection method: literature only. Allele origin: germline. Not counted in ClinVar's aggregate classification.

Literature cited by the submitters: PubMed 38387306 (cited by Centre de Génétique Humaine, Institut de Pathologie Et de Génétique); PubMed 24126030 (cited by Women's Health and Genetics/Laboratory Corporation of America, LabCorp); PubMed 29302025 (cited by Women's Health and Genetics/Laboratory Corporation of America, LabCorp and OMIM).

NM_015506.3(MMACHC):c.158T>C (p.Leu53Pro)

Gene: MMACHC (metabolism of cobalamin associated C; plus strand). Cytogenetic location: 1p34.1.
Variant type: single nucleotide variant.
Coding change: c.158T>C on transcript NM_015506.3 (MANE Select); coding-DNA position 158, T replaced by C.
Protein change: p.Leu53Pro; replaces leucine 53 with proline.
Molecular consequence: missense variant. On other transcripts: 5 prime UTR variant (1).
Genome position (GRCh38, 1-based): chr1:45,507,432, T>C. VCF-style: chr1-45507432-T-C. GRCh37 (hg19) VCF-style: chr1-45973104-T-C.
Other names: c.-14T>C (NM_001330540.2); short protein forms L53P.
Identifiers: ClinVar variation 495216 (VCV000495216.9), dbSNP rs756980496, ClinGen allele CA827654.